The following is an entry in ClinVar:

NM_001009944.3(PKD1):c.11289_11299del (p.Gly3764fs)

Genes: PKD1 (polycystin 1, transient receptor potential channel interacting; minus strand), PKD1-AS1 (PKD1 antisense RNA 1; plus strand). Cytogenetic location: 16p13.3.
Variant type: Deletion.
Coding change: c.11289_11299del on transcript NM_001009944.3 (MANE Select); coding-DNA positions 11289 to 11299, 11 bases deleted (CGGCCCCAGGG).
Protein change: p.Gly3764fs; shifts the reading frame from glycine 3764.
Molecular consequence: frameshift variant.
Genome position (GRCh38, 1-based): chr16:2,092,159-2,092,169, CCCTGGGGCCG deleted on the plus strand (CGGCCCCAGGG on the coding strand, the reverse complement: PKD1 is on the minus strand). VCF-style (leftmost placement, unchanged base first): chr16-2092158-ACCCTGGGGCCG-A. GRCh37 (hg19) VCF-style: chr16-2142159-ACCCTGGGGCCG-A.
Other names: c.11286_11296del, p.Gly3763fs (NM_000296.4); short protein forms G3763fs, G3764fs.
Identifiers: ClinVar variation 1162206 (VCV001162206.3), dbSNP rs2151699891, ClinGen allele CA2499223363.

ClinVar aggregate classification (germline): Likely pathogenic (0 of 4 stars; one submission).

Conditions:
Polycystic kidney disease, adult type (PKD1). Also called: Polycystic Kidney Disease 1, Autosomal Dominant; Polycystic kidney disease 1; Polycystic kidney disease 1, severe; Polycystic Kidney, Autosomal Dominant; POLYCYSTIC KIDNEY DISEASE 1 WITH OR WITHOUT POLYCYSTIC LIVER DISEASE; POLYCYSTIC KIDNEY DISEASE, ADULT, TYPE I. Identifiers: MedGen C3149841, MONDO:0008263, OMIM 173900.

Submission:

Genesis Genoma Lab
Classification: Likely pathogenic for Polycystic kidney disease, adult type. Last evaluated: 2021-06-04. Review status: no assertion criteria provided. Collection method: clinical testing. Allele origin: germline. Inheritance: Autosomal dominant inheritance. Affected: yes. Observed: 1 variant allele, 1 heterozygote.
Comment: The detected variant has not been reported in the literature in polycystic kidney disease patients and is absent from population databases. Pathogenic frameshift mutations downstreem of the reported variant have been reported in ClinVar database. It is classified as likely pathogenic according to the criteria of ACMG (PVS1, PM2).